The following is an entry in ClinVar:

NM_002691.4(POLD1):c.344C>G (p.Pro115Arg)

Gene: POLD1 (DNA polymerase delta 1, catalytic subunit; plus strand). Cytogenetic location: 19q13.33.
Variant type: single nucleotide variant.
Coding change: c.344C>G on transcript NM_002691.4 (MANE Select); coding-DNA position 344, C replaced by G.
Protein change: p.Pro115Arg; replaces proline 115 with arginine.
Molecular consequence: missense variant. On other transcripts: non-coding transcript variant (1).
Genome position (GRCh38, 1-based): chr19:50,401,805, C>G. VCF-style: chr19-50401805-C-G. GRCh37 (hg19) VCF-style: chr19-50905062-C-G.
Other names: c.344C>G, p.Pro115Arg (NM_001256849.1, NM_001308632.1); short protein forms P115R.
Identifiers: ClinVar variation 2108399 (VCV002108399.4), dbSNP rs2513955150, ClinGen allele CA406972172.
Genomic context (GRCh38, chr19:50,401,805, plus strand): 5'-GCATGGCCGCTGTCTTACCCTGTGACCCCACAGGCCCAGCGCAGCCTGTGCCTGGGGGGC[C>G]CCCACCATCCCGCGGCTCCGTGCCTGTGCTCCGCGCCTTCGGGGTCACCGATGAGGGGTT-3'
Protein context (NP_002682.2, residues 105-125): VGPAQPVPGG[Pro115Arg]PPSRGSVPVL

ClinVar aggregate classification (germline): Uncertain significance (1 of 4 stars; one submission).

Conditions:
POLD1-related polyposis and colorectal cancer syndrome (CRCS10). Also called: Colorectal cancer 10; COLORECTAL CANCER, SUSCEPTIBILITY TO, ON CHROMOSOME 19q; Colorectal cancer, susceptibility to, 10. Identifiers: Orphanet 220460, MedGen C2675481, MONDO:0012953, OMIM 612591.

Submission:

Labcorp Genetics (formerly Invitae), Labcorp
Classification: Uncertain significance for POLD1-related polyposis and colorectal cancer syndrome. Last evaluated: 2023-11-10. Review status: criteria provided, single submitter. Criteria: Invitae Variant Classification Sherloc (09022015). Collection method: clinical testing. Allele origin: germline.
Comment: This sequence change replaces proline, which is neutral and non-polar, with arginine, which is basic and polar, at codon 115 of the POLD1 protein (p.Pro115Arg). This variant is not present in population databases (gnomAD no frequency). This variant has not been reported in the literature in individuals affected with POLD1-related conditions. ClinVar contains an entry for this variant (Variation ID: 2108399). An algorithm developed to predict the effect of missense changes on protein structure and function (PolyPhen-2) suggests that this variant is likely to be disruptive. In summary, the available evidence is currently insufficient to determine the role of this variant in disease. Therefore, it has been classified as a Variant of Uncertain Significance.